The following is an entry in ClinVar:

ClinVar aggregate classification (germline): Benign/Likely benign. Review status: criteria provided, multiple submitters, no conflicts (2 of 4 stars). 7 submissions from 6 submitters: Benign (3); Likely benign (3). 1 of the submissions does not count toward it. Last evaluated 2026-01-28.

Conditions:
Retinitis pigmentosa (RP). Identifiers: Orphanet 791, MedGen C0035334, MeSH D012174, MONDO:0019200, OMIM 268000. Inheritance: Autosomal dominant, autosomal recessive and X linked inheritance.
Leber congenital amaurosis 14 (LCA14). Identifiers: MedGen C2750063, MONDO:0013231, OMIM 613341.

Allele frequency attached by ClinVar (database versions not stated): gnomAD exomes 0.00169; ExAC 0.00229; gnomAD 0.00707 and 0.00748; TOPMed 0.00766; 1000 Genomes Project 0.00799; 1000 Genomes Project 30x 0.00874; ESP Exome Variant Server 0.00961.
gnomAD v4.1: 2,005 of 1,614,094 alleles (0.12%); highest among the groups gnomAD compares: African/African-American, 2.5%; 29 homozygotes.

Submissions (7):

Labcorp Genetics (formerly Invitae), Labcorp
Classification: Benign. Last evaluated: 2026-01-28. Review status: criteria provided, single submitter. Criteria: Invitae Variant Classification Sherloc (09022015). Collection method: clinical testing. Allele origin: germline.

ARUP Laboratories, Molecular Genetics and Genomics, ARUP Laboratories
Classification: Likely benign. Last evaluated: 2023-09-21. Review status: criteria provided, single submitter. Criteria: ARUP Molecular Germline Variant Investigation Process 2024. Collection method: clinical testing. Allele origin: germline.

Women's Health and Genetics/Laboratory Corporation of America, LabCorp
Classification: Likely benign. Last evaluated: 2021-12-10. Review status: criteria provided, single submitter. Criteria: LabCorp Variant Classification Summary - May 2015. Collection method: clinical testing. Allele origin: germline.

Illumina Laboratory Services, Illumina
Classification: Benign for Leber congenital amaurosis 14. Last evaluated: 2017-04-27. Review status: criteria provided, single submitter. Criteria: ICSL Variant Classification Criteria 13 December 2019. Collection method: clinical testing. Allele origin: germline.
Comment: This variant was observed as part of a predisposition screen in an ostensibly healthy population. A literature search was performed for the gene, cDNA change, and amino acid change (where applicable). Publications were found based on this search. The evidence from the literature, in combination with allele frequency data from public databases where available, was sufficient to rule this variant out of causing disease. Therefore, this variant is classified as benign.

Illumina Laboratory Services, Illumina
Classification: Benign for Retinitis pigmentosa. Last evaluated: 2017-04-27. Review status: criteria provided, single submitter. Criteria: ICSL Variant Classification Criteria 13 December 2019. Collection method: clinical testing. Allele origin: germline.
Comment: the same text as in the submission from Illumina Laboratory Services, Illumina above.

Breakthrough Genomics
Classification: Likely benign. Review status: criteria provided, single submitter. Criteria: ACMG Guidelines, 2015. Collection method: not provided. Allele origin: germline. Inheritance: Autosomal recessive inheritance. Affected: yes.

NEI Ophthalmic Genomics Laboratory, National Institutes of Health
No classification provided. Review status: no classification provided. Collection method: not provided. Allele origin: not provided. Not counted in ClinVar's aggregate classification.

Literature cited by the submitters: PubMed 22025579 (cited by Illumina Laboratory Services, Illumina).

NM_004744.5(LRAT):c.74T>A (p.Phe25Tyr)

Gene: LRAT (lecithin retinol acyltransferase; plus strand). Cytogenetic location: 4q32.1.
Variant type: single nucleotide variant.
Coding change: c.74T>A on transcript NM_004744.5 (MANE Select); coding-DNA position 74, T replaced by A.
Protein change: p.Phe25Tyr; replaces phenylalanine 25 with tyrosine.
Molecular consequence: missense variant.
Genome position (GRCh38, 1-based): chr4:154,744,400, T>A. VCF-style: chr4-154744400-T-A. GRCh37 (hg19) VCF-style: chr4-155665552-T-A.
Other names: c.74T>A, p.Phe25Tyr (NM_001301645.2); short protein forms F25Y.
Identifiers: ClinVar variation 100574 (VCV000100574.17), dbSNP rs75368761, ClinGen allele CA228906.